The following is an entry in ClinVar:

NM_015028.4(TNIK):c.1335A>C (p.Glu445Asp)

Gene: TNIK (TRAF2 and NCK interacting kinase; minus strand). Cytogenetic location: 3q26.2.
Variant type: single nucleotide variant.
Coding change: c.1335A>C on transcript NM_015028.4 (MANE Select); coding-DNA position 1335, A replaced by C.
Protein change: p.Glu445Asp; replaces glutamic acid 445 with aspartic acid.
Molecular consequence: missense variant. On other transcripts: intron variant (4).
Genome position (GRCh38, 1-based): chr3:171,139,554, T>G on the plus strand (A>C on the coding strand, the complement: TNIK is on the minus strand). VCF-style: chr3-171139554-T-G. GRCh37 (hg19) VCF-style: chr3-170857343-T-G.
Other names: c.1335A>C, p.Glu445Asp (NM_001161560.3, NM_001161563.3, NM_001161564.3); c.1332+845A>C (NM_001161566.3, NM_001161565.3, NM_001161562.3 and 1 more transcripts); short protein forms E445D.
Identifiers: ClinVar variation 5003085 (VCV005003085.1).

ClinVar aggregate classification (germline): Uncertain significance (1 of 4 stars; one submission).

Conditions:
Intellectual developmental disorder, autosomal recessive 54. Also called: Intellectual disability, autosomal recessive 54. Identifiers: Orphanet 88616, MedGen C4310755, MONDO:0014876, OMIM 617028.

Submission:

OLLIN Analises Genomicas, OLLIN
Classification: Uncertain significance for Intellectual developmental disorder, autosomal recessive 54. Last evaluated: 2026-08-06. Review status: criteria provided, single submitter. Criteria: ACMG Guidelines 2015 PMID 25741868. Collection method: clinical testing. Allele origin: germline.
Comment: This missense variant, located in exon 14 (of 33), is absent from gnomAD and ClinVar and has not been identified in the literature. In silico analysis predicts that this variant has a tolerated effect. According to the currently available evidence, this variant has been classified as uncertain significance (PM2_P, BP4).